The following is an entry in ClinVar:

NM_002439.5(MSH3):c.832C>G (p.His278Asp)

Gene: MSH3 (mutS homolog 3; plus strand). Cytogenetic location: 5q14.1.
Variant type: single nucleotide variant.
Coding change: c.832C>G on transcript NM_002439.5 (MANE Select); coding-DNA position 832, C replaced by G.
Protein change: p.His278Asp; replaces histidine 278 with aspartic acid.
Molecular consequence: missense variant.
Genome position (GRCh38, 1-based): chr5:80,672,283, C>G. VCF-style: chr5-80672283-C-G. GRCh37 (hg19) VCF-style: chr5-79968102-C-G.
Other names: short protein forms H278D.
Identifiers: ClinVar variation 966974 (VCV000966974.9), dbSNP rs1749740312, ClinGen allele CA360267134.

ClinVar aggregate classification (germline): Uncertain significance (1 of 4 stars; one submission).

Allele frequency attached by ClinVar (database versions not stated): gnomAD below 0.00001 and 0.00001.

Submission:

Labcorp Genetics (formerly Invitae), Labcorp
Classification: Uncertain significance. Last evaluated: 2019-10-20. Review status: criteria provided, single submitter. Criteria: Invitae Variant Classification Sherloc (09022015). Collection method: clinical testing. Allele origin: germline.
Comment: In summary, the available evidence is currently insufficient to determine the role of this variant in disease. Therefore, it has been classified as a Variant of Uncertain Significance. Algorithms developed to predict the effect of missense changes on protein structure and function (SIFT, PolyPhen-2, Align-GVGD) all suggest that this variant is likely to be disruptive, but these predictions have not been confirmed by published functional studies and their clinical significance is uncertain. This variant has not been reported in the literature in individuals with MSH3-related conditions. This variant is not present in population databases (ExAC no frequency). This sequence change replaces histidine with aspartic acid at codon 278 of the MSH3 protein (p.His278Asp). The histidine residue is highly conserved and there is a moderate physicochemical difference between histidine and aspartic acid.